The following is an entry in ClinVar:

ClinVar aggregate classification (germline): Uncertain significance (1 of 4 stars; one submission).

Allele frequency attached by ClinVar (database versions not stated): gnomAD exomes 0.00001; ExAC 0.00002; ESP Exome Variant Server 0.00008; TOPMed 0.00013; gnomAD 0.00017.
gnomAD v4.1: 34 of 1,613,562 alleles (0.0021%); highest among the groups gnomAD compares: African/African-American, 0.04%; no homozygotes.

Submission:

Labcorp Genetics (formerly Invitae), Labcorp
Classification: Uncertain significance. Last evaluated: 2022-08-31. Review status: criteria provided, single submitter. Criteria: Invitae Variant Classification Sherloc (09022015). Collection method: clinical testing. Allele origin: germline.
Comment: This sequence change replaces lysine, which is basic and polar, with glutamine, which is neutral and polar, at codon 53 of the EFL1 protein (p.Lys53Gln). This variant is present in population databases (rs372165921, gnomAD 0.03%). This variant has not been reported in the literature in individuals affected with EFL1-related conditions. Algorithms developed to predict the effect of missense changes on protein structure and function are either unavailable or do not agree on the potential impact of this missense change (SIFT: "Deleterious"; PolyPhen-2: "Benign"; Align-GVGD: "Class C0"). In summary, the available evidence is currently insufficient to determine the role of this variant in disease. Therefore, it has been classified as a Variant of Uncertain Significance.

NM_024580.6(EFL1):c.157A>C (p.Lys53Gln)

Gene: EFL1 (elongation factor like GTPase 1; minus strand). Cytogenetic location: 15q25.2.
Variant type: single nucleotide variant.
Coding change: c.157A>C on transcript NM_024580.6 (MANE Select); coding-DNA position 157, A replaced by C.
Protein change: p.Lys53Gln; replaces lysine 53 with glutamine.
Molecular consequence: missense variant. On other transcripts: 5 prime UTR variant (1), non-coding transcript variant (1), intron variant (1).
Genome position (GRCh38, 1-based): chr15:82,259,090, T>G on the plus strand (A>C on the coding strand, the complement: EFL1 is on the minus strand). VCF-style: chr15-82259090-T-G. GRCh37 (hg19) VCF-style: chr15-82551431-T-G.
Other names: c.-548A>C (NM_001322844.2); c.157A>C, p.Lys53Gln (NM_001322845.2); c.91+2598A>C (NM_001040610.3); short protein forms K53Q.
Identifiers: ClinVar variation 1982324 (VCV001982324.1), dbSNP rs372165921, ClinGen allele CA7698372.